The following is an entry in ClinVar:

ClinVar aggregate classification (germline): Uncertain significance (1 of 4 stars; one submission).

Conditions:
Autosomal recessive distal spinal muscular atrophy 1. Also called: SEVERE INFANTILE AXONAL NEUROPATHY WITH RESPIRATORY FAILURE; SPINAL MUSCULAR ATROPHY, DIAPHRAGMATIC; Spinal muscular atrophy with respiratory distress 1; HMN VI; NEURONOPATHY, SEVERE INFANTILE AXONAL, WITH RESPIRATORY FAILURE; NEURONOPATHY, DISTAL HEREDITARY MOTOR, HARDING TYPE VI. Identifiers: Orphanet 98920, MedGen C1858517, MONDO:0011436, OMIM 604320.
Charcot-Marie-Tooth disease axonal type 2S. Also called: CHARCOT-MARIE-TOOTH DISEASE, AXONAL, AUTOSOMAL RECESSIVE, TYPE 2S; CHARCOT-MARIE-TOOTH NEUROPATHY, TYPE 2S. Identifiers: Orphanet 443073, MedGen C4015349, MONDO:0014511, OMIM 616155.

Allele frequency attached by ClinVar (database versions not stated): ExAC 0.00002; gnomAD exomes 0.00002 and 0.00003; gnomAD 0.00003; TOPMed 0.00006.
gnomAD v4.1: 27 of 1,613,908 alleles (0.0017%); highest among the groups gnomAD compares: Admixed American, 0.005%; no homozygotes.

Submission:

Labcorp Genetics (formerly Invitae), Labcorp
Classification: Uncertain significance for Autosomal recessive distal spinal muscular atrophy 1; Charcot-Marie-Tooth disease axonal type 2S. Last evaluated: 2025-10-10. Review status: criteria provided, single submitter. Criteria: Invitae Variant Classification Sherloc (09022015). Collection method: clinical testing. Allele origin: germline.
Comment: This sequence change replaces glutamic acid, which is acidic and polar, with lysine, which is basic and polar, at codon 763 of the IGHMBP2 protein (p.Glu763Lys). This variant is present in population databases (rs768670979, gnomAD 0.01%). This variant has not been reported in the literature in individuals affected with IGHMBP2-related conditions. ClinVar contains an entry for this variant (Variation ID: 939094). Invitae Evidence Modeling of protein sequence and biophysical properties (such as structural, functional, and spatial information, amino acid conservation, physicochemical variation, residue mobility, and thermodynamic stability) indicates that this missense variant is not expected to disrupt IGHMBP2 protein function with a negative predictive value of 95%. In summary, the available evidence is currently insufficient to determine the role of this variant in disease. Therefore, it has been classified as a Variant of Uncertain Significance.

NM_002180.3(IGHMBP2):c.2287G>A (p.Glu763Lys)

Gene: IGHMBP2 (immunoglobulin mu DNA binding protein 2; plus strand). Cytogenetic location: 11q13.3.
Variant type: single nucleotide variant.
Coding change: c.2287G>A on transcript NM_002180.3 (MANE Select); coding-DNA position 2287, G replaced by A.
Protein change: p.Glu763Lys; replaces glutamic acid 763 with lysine.
Molecular consequence: missense variant.
Genome position (GRCh38, 1-based): chr11:68,936,767, G>A. VCF-style: chr11-68936767-G-A. GRCh37 (hg19) VCF-style: chr11-68704235-G-A.
Other names: short protein forms E763K.
Identifiers: ClinVar variation 939094 (VCV000939094.8), dbSNP rs768670979, ClinGen allele CA6153874.
Genomic context (GRCh38, chr11:68,936,767, plus strand): 5'-CAGTTGGAGTTTCCTCCTTCCCTCAATTCCCACGACAGGCTGCGGGTCCACCAAATAGCC[G>A]AGGAGCACGGGCTGAGGCACGACAGTTCCGGGGAAGGGAAGAGGAGGTTCATCACTGTGA-3'
Protein context (NP_002171.2, residues 753-773): HDRLRVHQIA[Glu763Lys]EHGLRHDSSG